The following is an entry in ClinVar:

ClinVar aggregate classification (germline): Uncertain significance (1 of 4 stars; one submission).

gnomAD v4.1: 1 of 1,614,072 alleles (0.000062%); highest among the groups gnomAD compares: Non-Finnish European, 0.000085%; no homozygotes.

Submission:

CeGaT Center for Human Genetics Tuebingen
Classification: Uncertain significance. Last evaluated: 2025-04-01. Review status: criteria provided, single submitter. Criteria: CeGaT Center For Human Genetics Tuebingen Variant Classification Criteria Version 2. Collection method: clinical testing. Allele origin: germline. Affected: yes. Observed: 1 variant allele.
Comment: TRPM3: PM2, BP4

NM_001366145.2(TRPM3):c.4354C>G (p.Pro1452Ala)

Genes: KLF9-DT (KLF9 divergent transcript; plus strand), TRPM3 (transient receptor potential cation channel subfamily M member 3; minus strand). Cytogenetic location: 9q21.12.
Variant type: single nucleotide variant.
Coding change: c.4354C>G on transcript NM_001366145.2 (MANE Select); coding-DNA position 4354, C replaced by G.
Protein change: p.Pro1452Ala; replaces proline 1452 with alanine.
Molecular consequence: missense variant. On other transcripts: intron variant (8).
Genome position (GRCh38, 1-based): chr9:70,536,759, G>C on the plus strand (C>G on the coding strand, the complement: TRPM3 is on the minus strand). VCF-style: chr9-70536759-G-C. GRCh37 (hg19) VCF-style: chr9-73151675-G-C.
Other names: c.3865C>G, p.Pro1289Ala (NM_206945.5); c.3934C>G, p.Pro1312Ala (NM_206946.5); c.3904C>G, p.Pro1302Ala (NM_206947.5); c.3961+363C>G (NM_001366143.2); c.3997+363C>G (NM_001366142.2); c.3925+363C>G (NM_001366150.2); c.3955+363C>G (NM_001366151.2); c.3991+363C>G (NM_001366146.2); and 9 more; short protein forms P1277A, P1287A, P1289A, P1299A, P1302A, P1312A, P1440A, P1442A.
Identifiers: ClinVar variation 3898446 (VCV003898446.7).